The following is an entry in ClinVar:

NM_178014.4(TUBB):c.937_943dup (p.Ala315fs)

Gene: TUBB (tubulin beta class I; plus strand). Cytogenetic location: 6p21.33.
Variant type: Duplication.
Coding change: c.937_943dup on transcript NM_178014.4 (MANE Select); coding-DNA positions 937 to 943, 7 bases duplicated (GTGGCTG; older notation c.937_943dupGTGGCTG).
Protein change: p.Ala315fs; shifts the reading frame from alanine 315.
Molecular consequence: frameshift variant. On other transcripts: non-coding transcript variant (1), intron variant (1).
Genome position (GRCh38, 1-based): chr6:30,723,999-30,724,005, GTGGCTG duplicated. VCF-style (leftmost placement, unchanged base first): chr6-30723998-C-CGTGGCTG. GRCh37 (hg19) VCF-style: chr6-30691775-C-CGTGGCTG.
Other names: c.997_1003dup, p.Ala335fs (NM_001293212.2); c.805_811dup, p.Ala271fs (NM_001293214.2); c.721_727dup, p.Ala243fs (NM_001293215.2, NM_001293216.2); c.370-39_370-33dup (NM_001293213.2); short protein forms A243fs, A271fs, A315fs, A335fs.
Identifiers: ClinVar variation 2662352 (VCV002662352.2), dbSNP rs2536609249, ClinGen allele CA2695198813.

ClinVar aggregate classification (germline): Uncertain significance (1 of 4 stars; one submission).

Submission:

GeneDx
Classification: Uncertain significance. Last evaluated: 2026-07-12. Review status: criteria provided, single submitter. Criteria: GeneDx Variant Classification Process June 2021. Collection method: clinical testing. Allele origin: germline.
Comment: Not observed at significant frequency in large population cohorts (gnomAD); Frameshift variant predicted to result in abnormal protein length as the last 130 amino acid(s) are replaced with 15 different amino acid(s); Has not been previously published as pathogenic or benign to our knowledge